The following is an entry in ClinVar:

ClinVar aggregate classification (germline): Likely benign (1 of 4 stars; one submission).

Allele frequency attached by ClinVar (database versions not stated): TOPMed 0.00004; gnomAD 0.00006; ExAC 0.00008; ESP Exome Variant Server 0.00008; gnomAD exomes 0.00008; 1000 Genomes Project 30x 0.00016.
gnomAD v4.1: 127 of 1,613,160 alleles (0.0079%); highest among the groups gnomAD compares: South Asian, 0.027%; no homozygotes.

Submission:

CeGaT Center for Human Genetics Tuebingen
Classification: Likely benign. Last evaluated: 2022-09-01. Review status: criteria provided, single submitter. Criteria: CeGaT Center For Human Genetics Tuebingen Variant Classification Criteria Version 2. Collection method: clinical testing. Allele origin: germline. Affected: yes. Observed: 1 variant allele.
Comment: CIC: BP4, BP7

NM_001386298.1(CIC):c.5760C>T (p.Gly1920=)

Gene: CIC (capicua transcriptional repressor; plus strand). Cytogenetic location: 19q13.2.
Variant type: single nucleotide variant.
Coding change: c.5760C>T on transcript NM_001386298.1 (MANE Select); coding-DNA position 5760, C replaced by T.
Protein change: p.Gly1920=; no amino-acid change (glycine 1920 retained).
Molecular consequence: synonymous variant.
Genome position (GRCh38, 1-based): chr19:42,292,324, C>T. VCF-style: chr19-42292324-C-T. GRCh37 (hg19) VCF-style: chr19-42796476-C-T.
Other names: c.5760C>T, p.Gly1920= (NM_001304815.2, NM_001379480.1, NM_001379482.1 and 1 more transcripts); c.3033C>T, p.Gly1011= (NM_001379484.1, NM_001379485.1, NM_015125.5).
Identifiers: ClinVar variation 2650005 (VCV002650005.24), dbSNP rs371528038, ClinGen allele CA9472495.